The following is an entry in ClinVar:

NM_006397.3(RNASEH2A):c.223G>C (p.Glu75Gln)

Gene: RNASEH2A (ribonuclease H2 subunit A; plus strand). Cytogenetic location: 19p13.13.
Variant type: single nucleotide variant.
Coding change: c.223G>C on transcript NM_006397.3 (MANE Select); coding-DNA position 223, G replaced by C.
Protein change: p.Glu75Gln; replaces glutamic acid 75 with glutamine.
Molecular consequence: missense variant.
Genome position (GRCh38, 1-based): chr19:12,807,229, G>C. VCF-style: chr19-12807229-G-C. GRCh37 (hg19) VCF-style: chr19-12918043-G-C.
Other names: short protein forms E75Q.
Identifiers: ClinVar variation 863225 (VCV000863225.11), dbSNP rs753695101, ClinGen allele CA9231801.

ClinVar aggregate classification (germline): Uncertain significance. Review status: criteria provided, multiple submitters, no conflicts (2 of 4 stars). 5 submissions from 5 submitters: Uncertain significance (5). Last evaluated 2026-05-22.

Conditions:
Aicardi-Goutieres syndrome 4. Identifiers: Orphanet 51, MedGen C1835912, MONDO:0012472, OMIM 610333.
RNASEH2A-related disorder. Also called: RNASEH2A-related condition.

Allele frequency attached by ClinVar (database versions not stated): gnomAD exomes 0.00005; gnomAD 0.00006; TOPMed 0.00006; ExAC 0.00008.

Submissions (5):

PreventionGenetics, part of Exact Sciences
Classification: Uncertain significance for RNASEH2A-related condition. Last evaluated: 2026-05-22. Review status: criteria provided, single submitter. Criteria: ACMG Guidelines, 2015. Collection method: clinical testing. Allele origin: germline.
Comment: The RNASEH2A c.223G>C variant is predicted to result in the amino acid substitution p.Glu75Gln. This variant, along with the p.Glu294Lys variant, was reported in an individual with systemic lupus erythematosus (Günther et al. 2014. PubMed ID: 25500883). This variant is reported in 0.010% of alleles in individuals of European (Non-Finnish) descent in gnomAD. At this time, the clinical significance of this variant is uncertain due to the absence of conclusive functional and genetic evidence.

Labcorp Genetics (formerly Invitae), Labcorp
Classification: Uncertain significance for Aicardi-Goutieres syndrome 4. Last evaluated: 2025-12-21. Review status: criteria provided, single submitter. Criteria: Invitae Variant Classification Sherloc (09022015). Collection method: clinical testing. Allele origin: germline.
Comment: This sequence change replaces glutamic acid, which is acidic and polar, with glutamine, which is neutral and polar, at codon 75 of the RNASEH2A protein (p.Glu75Gln). The frequency data for this variant in the population databases is considered unreliable, as metrics indicate poor data quality at this position in the gnomAD database. This missense change has been observed in individual(s) with clinical features of systemic lupus erythematosus (PMID: 25500883). ClinVar contains an entry for this variant (Variation ID: 863225). Invitae Evidence Modeling of protein sequence and biophysical properties (such as structural, functional, and spatial information, amino acid conservation, physicochemical variation, residue mobility, and thermodynamic stability) indicates that this missense variant is not expected to disrupt RNASEH2A protein function with a negative predictive value of 80%. Experimental studies are conflicting or provide insufficient evidence to determine the effect of this variant on RNASEH2A function (PMID: 25500883). In summary, the available evidence is currently insufficient to determine the role of this variant in disease. Therefore, it has been classified as a Variant of Uncertain Significance.

Women's Health and Genetics/Laboratory Corporation of America, LabCorp
Classification: Uncertain significance. Last evaluated: 2025-07-16. Review status: criteria provided, single submitter. Criteria: LabCorp Variant Classification Summary - May 2015. Collection method: clinical testing. Allele origin: germline.
Comment: Variant summary: RNASEH2A c.223G>C (p.Glu75Gln) results in a conservative amino acid change in the encoded protein sequence. Algorithms developed to predict the effect of missense changes on protein structure and function are either unavailable or do not agree on the potential impact of this missense change. The variant allele was found at a frequency of 5.2e-05 in 251484 control chromosomes (gnomAD). This frequency is not significantly higher than the maximum estimated for a pathogenic variant in RNASEH2A causing Aicardi-Goutieres syndrome 4, allowing no conclusion about variant significance. The variant, c.223G>C, has been observed in a heterozygous individual affected with systemic lupus erythematosus (SLE), however authors reported that the p.Glu75Gln variant occurred in cis (i.e. on the same allele) with p.Glu294Lys (Gunther_2015). Of note, variant co-occurrence analysis in gnomAD indicates that these two missense variants (i.e. E75Q + E294K), are on the same haplotype in most individuals. Authors of this study also reported experimental evidence evaluating the impact of the complex allele (i.e. E75Q + E294K together), on protein function, and demonstrated somewhat reduced enzyme activity (with about 60% residual activity) compared to the normal (Gunther_2015). These reports do not provide unequivocal conclusions about association of the variant with Aicardi-Goutieres syndrome 4. The following publication has been ascertained in the context of this evaluation (PMID: 5500883). ClinVar contains an entry for this variant (Variation ID: 863225). Based on the evidence outlined above, the variant was classified as uncertain significance.

Blueprint Genetics
Classification: Uncertain significance. Last evaluated: 2024-11-19. Review status: criteria provided, single submitter. Criteria: ACMG Guidelines, 2015. Collection method: clinical testing. Allele origin: germline.

GeneDx
Classification: Uncertain significance. Last evaluated: 2019-12-03. Review status: criteria provided, single submitter. Criteria: GeneDx Variant Classification Process June 2021. Collection method: clinical testing. Allele origin: germline. Affected: yes.
Comment: Not observed at a significant frequency in large population cohorts (Lek et al., 2016); In silico analysis, which includes protein predictors and evolutionary conservation, supports that this variant does not alter protein structure/function; Has not been previously published as pathogenic or benign to our knowledge; This variant is associated with the following publications: (PMID: 33353557)

Literature cited by the submitters: PubMed 25500883 (cited by Labcorp Genetics (formerly Invitae), Labcorp); PubMed 5500883 (cited by Women's Health and Genetics/Laboratory Corporation of America, LabCorp).